The following is an entry in ClinVar:

ClinVar aggregate classification (germline): Conflicting classifications of pathogenicity. Review status: criteria provided, conflicting classifications (1 of 4 stars). 2 submissions from 2 submitters: Pathogenic (1); Uncertain significance (1). Last evaluated 2025-09-27.

Allele frequency attached by ClinVar (database versions not stated): gnomAD 0.00001; gnomAD exomes 0.00001.
gnomAD v4.1: 4 of 1,614,134 alleles (0.00025%); highest among the groups gnomAD compares: Non-Finnish European, 0.00034%; no homozygotes.

Submissions (2):

GeneDx
Classification: Uncertain significance. Last evaluated: 2025-09-27. Review status: criteria provided, single submitter. Criteria: GeneDx Variant Classification Process June 2021. Collection method: clinical testing. Allele origin: germline.
Comment: Not observed at significant frequency in large population cohorts (gnomAD); Nonsense variant predicted to result in protein truncation or nonsense mediated decay in a gene or region of a gene for which loss of function is not a well-established mechanism of disease; Has not been previously published as pathogenic or benign to our knowledge

Labcorp Genetics (formerly Invitae), Labcorp
Classification: Pathogenic. Last evaluated: 2022-07-26. Review status: criteria provided, single submitter. Criteria: Invitae Variant Classification Sherloc (09022015). Collection method: clinical testing. Allele origin: germline.
Comment: For these reasons, this variant has been classified as Pathogenic. Algorithms developed to predict the effect of sequence changes on RNA splicing suggest that this variant may disrupt the consensus splice site. This variant has not been reported in the literature in individuals affected with COL4A2-related conditions. This variant is present in population databases (no rsID available, gnomAD 0.007%). This sequence change creates a premature translational stop signal (p.Glu295*) in the COL4A2 gene. It is expected to result in an absent or disrupted protein product. Loss-of-function variants in COL4A2 are known to be pathogenic (PMID: 22333902, 30315939).

Literature cited by the submitters: PubMed 22333902 (cited by Labcorp Genetics (formerly Invitae), Labcorp); PubMed 30315939 (cited by Labcorp Genetics (formerly Invitae), Labcorp).

NM_001846.4(COL4A2):c.883G>T (p.Glu295Ter)

Gene: COL4A2 (collagen type IV alpha 2 chain; plus strand). Cytogenetic location: 13q34.
Variant type: single nucleotide variant.
Coding change: c.883G>T on transcript NM_001846.4 (MANE Select); coding-DNA position 883, G replaced by T.
Protein change: p.Glu295Ter; replaces glutamic acid 295 with a stop codon.
Molecular consequence: nonsense.
Genome position (GRCh38, 1-based): chr13:110,438,639, G>T. VCF-style: chr13-110438639-G-T. GRCh37 (hg19) VCF-style: chr13-111090986-G-T.
Other names: c.883G>T (NM_001846.2); short protein forms E295*.
Identifiers: ClinVar variation 1920649 (VCV001920649.7), dbSNP rs1421971452, ClinGen allele CA388732038.